The following is an entry in ClinVar:

NM_015346.4(ZFYVE26):c.1182+5C>T

Gene: ZFYVE26 (zinc finger FYVE-type containing 26; minus strand). Cytogenetic location: 14q24.1.
Variant type: single nucleotide variant.
Coding change: c.1182+5C>T on transcript NM_015346.4 (MANE Select); 5 bases into the intron after coding-DNA position 1182, C replaced by T.
Molecular consequence: intron variant.
Genome position (GRCh38, 1-based): chr14:67,805,449, G>A on the plus strand (C>T on the coding strand, the complement: ZFYVE26 is on the minus strand). VCF-style: chr14-67805449-G-A. GRCh37 (hg19) VCF-style: chr14-68272166-G-A.
Identifiers: ClinVar variation 3380215 (VCV003380215.1).

ClinVar aggregate classification (germline): Uncertain significance (1 of 4 stars; one submission).

gnomAD v4.1: 4 of 1,614,206 alleles (0.00025%); highest among the groups gnomAD compares: East Asian, 0.0089%; no homozygotes.

Submission:

Mayo Clinic Laboratories, Mayo Clinic
Classification: Uncertain significance. Last evaluated: 2023-07-05. Review status: criteria provided, single submitter. Criteria: ACMG Guidelines, 2015. Collection method: clinical testing. Allele origin: germline. Observed: 1 variant allele.
Comment: BP4, PM2_moderate